The following is an entry in ClinVar:

NM_007126.5(VCP):c.2143A>G (p.Thr715Ala)

Gene: VCP (valosin containing protein; minus strand). Cytogenetic location: 9p13.3.
Variant type: single nucleotide variant.
Coding change: c.2143A>G on transcript NM_007126.5 (MANE Select); coding-DNA position 2143, A replaced by G.
Protein change: p.Thr715Ala; replaces threonine 715 with alanine.
Molecular consequence: missense variant.
Genome position (GRCh38, 1-based): chr9:35,059,081, T>C on the plus strand (A>G on the coding strand, the complement: VCP is on the minus strand). VCF-style: chr9-35059081-T-C. GRCh37 (hg19) VCF-style: chr9-35059078-T-C.
Other names: c.2008A>G, p.Thr670Ala (NM_001354927.2, NM_001354928.2); short protein forms T715A, T670A.
Identifiers: ClinVar variation 2004286 (VCV002004286.4), dbSNP rs2131028688, ClinGen allele CA373273265.

ClinVar aggregate classification (germline): Uncertain significance (1 of 4 stars; one submission).

Conditions:
Frontotemporal dementia and/or amyotrophic lateral sclerosis 6 (FTDALS6). Also called: VCP-Related Amyotrophic Lateral Sclerosis/Frontotemporal Dementia; VCP-Related Amyotrophic Lateral Sclerosis. Identifiers: Orphanet 275872, Orphanet 803, MedGen C5436279, MONDO:0013501, OMIM 613954.
Inclusion body myopathy with Paget disease of bone and frontotemporal dementia. Also called: Inclusion body myopathy with early-onset Paget disease and frontotemporal dementia. Identifiers: Orphanet 52430, MedGen C1833662, MONDO:0000507.

Submission:

Labcorp Genetics (formerly Invitae), Labcorp
Classification: Uncertain significance for Inclusion body myopathy with Paget disease of bone and frontotemporal dementia; Frontotemporal dementia and/or amyotrophic lateral sclerosis 6. Last evaluated: 2024-12-11. Review status: criteria provided, single submitter. Criteria: Invitae Variant Classification Sherloc (09022015). Collection method: clinical testing. Allele origin: germline.
Comment: This sequence change replaces threonine, which is neutral and polar, with alanine, which is neutral and non-polar, at codon 715 of the VCP protein (p.Thr715Ala). This variant is not present in population databases (gnomAD no frequency). This variant has not been reported in the literature in individuals affected with VCP-related conditions. ClinVar contains an entry for this variant (Variation ID: 2004286). Invitae Evidence Modeling of protein sequence and biophysical properties (such as structural, functional, and spatial information, amino acid conservation, physicochemical variation, residue mobility, and thermodynamic stability) indicates that this missense variant is not expected to disrupt VCP protein function with a negative predictive value of 95%. In summary, the available evidence is currently insufficient to determine the role of this variant in disease. Therefore, it has been classified as a Variant of Uncertain Significance.